The following is an entry in ClinVar:

NM_004764.5(PIWIL1):c.2403C>T (p.Ser801=)

Gene: PIWIL1 (piwi like RNA-mediated gene silencing 1; plus strand). Cytogenetic location: 12q24.33.
Variant type: single nucleotide variant.
Coding change: c.2403C>T on transcript NM_004764.5 (MANE Select); coding-DNA position 2403, C replaced by T.
Protein change: p.Ser801=; no amino-acid change (serine 801 retained).
Molecular consequence: synonymous variant.
Genome position (GRCh38, 1-based): chr12:130,371,257, C>T. VCF-style: chr12-130371257-C-T. GRCh37 (hg19) VCF-style: chr12-130855802-C-T.
Other names: c.2403C>T, p.Ser801= (NM_001190971.2).
Identifiers: ClinVar variation 3052765 (VCV003052765.2), dbSNP rs150359032, ClinGen allele CA6877513.

ClinVar aggregate classification (germline): Likely benign (0 of 4 stars; one submission).

Conditions:
PIWIL1-related disorder. Also called: PIWIL1-related condition.

Allele frequency attached by ClinVar (database versions not stated): gnomAD exomes 0.00003; gnomAD 0.00011; TOPMed 0.00011; ExAC 0.00012; 1000 Genomes Project 30x 0.00016; 1000 Genomes Project 0.00020; ESP Exome Variant Server 0.00031.
gnomAD v4.1: 53 of 1,614,112 alleles (0.0033%); highest among the groups gnomAD compares: African/African-American, 0.031%; no homozygotes.

Submission:

PreventionGenetics, part of Exact Sciences
Classification: Likely benign for PIWIL1-related condition. Last evaluated: 2019-08-21. Review status: no assertion criteria provided. Collection method: clinical testing. Allele origin: germline.
Comment: This variant is classified as likely benign based on ACMG/AMP sequence variant interpretation guidelines (Richards et al. 2015 PMID: 25741868, with internal and published modifications).